The following is an entry in ClinVar:

NM_001378414.1(HDAC4):c.866-4G>A

Gene: HDAC4 (histone deacetylase 4; minus strand). Cytogenetic location: 2q37.3.
Variant type: single nucleotide variant.
Coding change: c.866-4G>A on transcript NM_001378414.1 (MANE Select); 4 bases into the intron before coding-DNA position 866, G replaced by A.
Molecular consequence: intron variant.
Genome position (GRCh38, 1-based): chr2:239,139,800, C>T on the plus strand (G>A on the coding strand, the complement: HDAC4 is on the minus strand). VCF-style: chr2-239139800-C-T. GRCh37 (hg19) VCF-style: chr2-240061496-C-T.
Other names: c.866-4G>A (NM_001378417.1, NM_001378415.1, NM_001378416.1 and 1 more transcripts).
Identifiers: ClinVar variation 3052774 (VCV003052774.4), dbSNP rs140724685, ClinGen allele CA2200023.

ClinVar aggregate classification (germline): Likely benign. Review status: criteria provided, single submitter (1 of 4 stars). 2 submissions from 2 submitters: Likely benign (1). 1 of the submissions does not count toward it. Last evaluated 2024-08-05.

Conditions:
HDAC4-related disorder. Also called: HDAC4-related condition.

Allele frequency attached by ClinVar (database versions not stated): 1000 Genomes Project 30x 0.00016; gnomAD 0.00017; 1000 Genomes Project 0.00020; ESP Exome Variant Server 0.00038.
gnomAD v4.1: 501 of 1,611,060 alleles (0.031%); highest among the groups gnomAD compares: Non-Finnish European, 0.04%; no homozygotes.

Submissions (2):

Labcorp Genetics (formerly Invitae), Labcorp
Classification: Likely benign. Last evaluated: 2024-08-05. Review status: criteria provided, single submitter. Criteria: Invitae Variant Classification Sherloc (09022015). Collection method: clinical testing. Allele origin: germline.

PreventionGenetics, part of Exact Sciences
Classification: Likely benign for HDAC4-related condition. Last evaluated: 2019-09-03. Review status: no assertion criteria provided. Collection method: clinical testing. Allele origin: germline. Not counted in ClinVar's aggregate classification.
Comment: This variant is classified as likely benign based on ACMG/AMP sequence variant interpretation guidelines (Richards et al. 2015 PMID: 25741868, with internal and published modifications).